The following is an entry in ClinVar:

ClinVar aggregate classification (germline): Likely benign. Review status: criteria provided, multiple submitters, no conflicts (2 of 4 stars). 2 submissions from 2 submitters: Likely benign (2). Last evaluated 2026-02-19.

Conditions:
EXOSC9-related disorder. Also called: EXOSC9-related condition.

Allele frequency attached by ClinVar (database versions not stated): ExAC 0.00021; gnomAD exomes 0.00028 and 0.00051; TOPMed 0.00028; ESP Exome Variant Server 0.00054.
gnomAD v4.1: 781 of 1,613,428 alleles (0.048%); highest among the groups gnomAD compares: Non-Finnish European, 0.062%; 1 homozygote.

Submissions (2):

PreventionGenetics, part of Exact Sciences
Classification: Likely benign for EXOSC9-related condition. Last evaluated: 2026-02-19. Review status: criteria provided, single submitter. Criteria: ACMG Guidelines, 2015. Collection method: clinical testing. Allele origin: germline.
Comment: This variant is classified as likely benign based on ACMG/AMP sequence variant interpretation guidelines (Richards et al. 2015 PMID: 25741868, with internal and published modifications).

Labcorp Genetics (formerly Invitae), Labcorp
Classification: Likely benign. Last evaluated: 2025-11-19. Review status: criteria provided, single submitter. Criteria: Invitae Variant Classification Sherloc (09022015). Collection method: clinical testing. Allele origin: germline.

NM_005033.3(EXOSC9):c.918G>A (p.Ser306=)

Gene: EXOSC9 (exosome component 9; plus strand). Cytogenetic location: 4q27.
Variant type: single nucleotide variant.
Coding change: c.918G>A on transcript NM_005033.3 (MANE Select); coding-DNA position 918, G replaced by A.
Protein change: p.Ser306=; no amino-acid change (serine 306 retained).
Molecular consequence: synonymous variant.
Genome position (GRCh38, 1-based): chr4:121,813,324, G>A. VCF-style: chr4-121813324-G-A. GRCh37 (hg19) VCF-style: chr4-122734479-G-A.
Other names: c.918G>A, p.Ser306= (NM_001034194.2); c.918G>A (NM_001034194.1).
Identifiers: ClinVar variation 1548369 (VCV001548369.9), dbSNP rs145746159, ClinGen allele CA3063572.